The following is an entry in ClinVar:

NM_032043.3(BRIP1):c.1255C>T (p.Arg419Trp)

Gene: BRIP1 (BRCA1 interacting DNA helicase 1; minus strand). Cytogenetic location: 17q23.2.
Variant type: single nucleotide variant.
Coding change: c.1255C>T on transcript NM_032043.3 (MANE Select); coding-DNA position 1255, C replaced by T.
Protein change: p.Arg419Trp; replaces arginine 419 with tryptophan.
Molecular consequence: missense variant.
Genome position (GRCh38, 1-based): chr17:61,799,185, G>A on the plus strand (C>T on the coding strand, the complement: BRIP1 is on the minus strand). VCF-style: chr17-61799185-G-A. GRCh37 (hg19) VCF-style: chr17-59876546-G-A.
Other names: p.R419W:CGG>TGG; short protein forms R419W.
Identifiers: ClinVar variation 128153 (VCV000128153.86), dbSNP rs150624408, ClinGen allele CA157738.

ClinVar aggregate classification (germline): Conflicting classifications of pathogenicity. Review status: criteria provided, conflicting classifications (1 of 4 stars). 31 submissions from 29 submitters: Uncertain significance (17); Likely benign (9). 5 of the submissions do not count toward it. Last evaluated 2026-08-31.

Conditions:
Inherited ovarian cancer (without breast cancer).
BRIP1-related disorder. Also called: BRIP1-related condition; BRIP1-related disorders. Identifiers: MedGen CN239206.
Breast and/or ovarian cancer. Identifiers: MedGen CN221562.
Hereditary cancer-predisposing syndrome. Also called: Tumor predisposition; Hereditary neoplastic syndrome; Neoplastic Syndromes, Hereditary; Hereditary Cancer Syndrome. Identifiers: Orphanet 140162, MedGen C0027672, MeSH D009386, MONDO:0015356.
Familial cancer of breast. Also called: Hereditary breast cancer; hereditary breast carcinoma; BREAST CANCER, FAMILIAL. Identifiers: Orphanet 227535, MedGen C0346153, MONDO:0016419, OMIM 114480. Disease mechanism: loss of function.
Fanconi anemia complementation group J. Also called: BRIP1-Related Fanconi Anemia. Identifiers: Orphanet 84, MedGen C1836860, MONDO:0012187, OMIM 609054.
Ovarian cancer. Also called: OVARIAN CANCER, SOMATIC. Identifiers: Orphanet 213500, MedGen C1140680, MONDO:0008170, OMIM 167000.
Hereditary breast ovarian cancer syndrome. Also called: Hereditary breast and ovarian cancer syndrome (HBOC); Hereditary breast and ovarian cancer; Hereditary breast and ovarian cancer syndrome; Breast and ovarian cancer; Hereditary breast and/or ovarian cancer syndrome; BRCA1- and BRCA2-Associated Hereditary Breast and Ovarian Cancer. Identifiers: Orphanet 145, MedGen C0677776, MeSH D061325, MONDO:0003582. Disease mechanism: loss of function.
Malignant tumor of breast. Also called: Malignant breast neoplasm; Cancer breast. Identifiers: MedGen C0006142, MONDO:0007254. Disease mechanism: loss of function.
Breast carcinoma. Also called: Carcinoma of breast. Identifiers: MedGen C0678222, MONDO:0004989, HP:0003002.

Allele frequency attached by ClinVar (database versions not stated): ESP Exome Variant Server 0.00023; gnomAD 0.00026 and 0.00030; TOPMed 0.00027; gnomAD exomes 0.00036; ExAC 0.00040.

Submissions 1 to 12 of 31:

Institute of Human Genetics, University of Leipzig Medical Center
Classification: Likely benign for Familial cancer of breast. Last evaluated: 2026-08-31. Review status: criteria provided, single submitter. Criteria: ACMG Guidelines, 2015. Collection method: clinical testing. Allele origin: unknown. Inheritance: Autosomal dominant inheritance. Affected: yes.
Comment: Criteria applied: BS1_SUP,BS2

Genomics and Molecular Medicine Service, East Genomic Laboratory Hub, NHS Genomic Medicine Service
Classification: Uncertain significance for Inherited ovarian cancer (without breast cancer). Last evaluated: 2026-04-27. Review status: criteria provided, single submitter. Criteria: ACGS Best Practice Guidelines for Variant Classification in Rare Disease 2020. Collection method: clinical testing. Allele origin: germline. Affected: yes.

Dasa
Classification: Uncertain significance. Last evaluated: 2026-04-15. Review status: criteria provided, single submitter. Criteria: DASA Assertion Criteria. Collection method: clinical testing. Allele origin: germline.
Comment: NM_032043.3(BRIP1):c.1255C>T (p.Arg419Trp) is a missense variant that results in the substitution of arginine with tryptophan. This variant is rare in population databases. The currently available literature and clinical evidence are not sufficient to establish a definitive association between this variant and the reported condition. Therefore, this variant is classified as a variant of uncertain significance.

Labcorp Genetics (formerly Invitae), Labcorp
Classification: Likely benign for Familial cancer of breast; Fanconi anemia complementation group J. Last evaluated: 2026-01-28. Review status: criteria provided, single submitter. Criteria: Invitae Variant Classification Sherloc (09022015). Collection method: clinical testing. Allele origin: germline.

Center for Genomic Medicine, Rigshospitalet, Copenhagen University Hospital
Classification: Uncertain significance. Last evaluated: 2025-12-29. Review status: criteria provided, single submitter. Criteria: ACMG Guidelines, 2015. Collection method: clinical testing. Allele origin: germline.

PreventionGenetics, part of Exact Sciences
Classification: Likely benign for BRIP1-related condition. Last evaluated: 2025-12-17. Review status: criteria provided, single submitter. Criteria: ACMG Guidelines, 2015. Collection method: clinical testing. Allele origin: germline.
Comment: This variant is classified as likely benign based on ACMG/AMP sequence variant interpretation guidelines (Richards et al. 2015 PMID: 25741868, with internal and published modifications).

Quest Diagnostics Nichols Institute San Juan Capistrano
Classification: Uncertain significance. Last evaluated: 2025-10-29. Review status: criteria provided, single submitter. Criteria: Quest Diagnostics criteria. Collection method: clinical testing. Allele origin: unknown.
Comment: The BRIP1 c.1255C>T (p.Arg419Trp) variant has been reported in individuals with breast cancer (PMIDs: 34326862 (2021), 32885271 (2021), 30982232 (2019), 29368626 (2018), 33471991 (2021), see LOVD), ovarian cancer (PMIDs: 31822495 (2020), 30651582 (2019), 29368626 (2018), 26315354 (2015)), endometrial cancer (PMID: 39400928 (2024)), pancreatic cancer (PMID: 32659497 (2020)), colorectal cancer (PMIDs: 32283892 (2020), 28135145 (2017)), prostate cancer (PMIDs: 35467778 (2022), 19935797 (2009)), and melanoma (PMID: 30414346 (2019)). This variant has also been identified in numerous reportedly unaffected individuals (PMIDs: 38308423 (2024), 32885271 (2021), 32658311 (2021), 31206626 (2019), 29368626 (2018), 26315354 (2015), 12872252 (2003)). The frequency of this variant in the general population (Genome Aggregation Database) is higher than would generally be expected for pathogenic variants in this gene. Analysis of this variant using bioinformatics tools for the prediction of the effect of amino acid changes on protein structure and function yielded conflicting predictions that this variant is benign or damaging. Based on the available information, we are unable to determine the clinical significance of this variant.

Women's Health and Genetics/Laboratory Corporation of America, LabCorp
Classification: Likely benign. Last evaluated: 2025-02-24. Review status: criteria provided, single submitter. Criteria: LabCorp Variant Classification Summary - May 2015. Collection method: clinical testing. Allele origin: germline.
Comment: Variant summary: BRIP1 c.1255C>T (p.Arg419Trp) results in a non-conservative amino acid change located in the Helicase-like, DEXD box c2 type (IPR006554) of the encoded protein sequence. Five of five in-silico tools predict a damaging effect of the variant on protein function. The variant allele was found at a frequency of 0.00037 in 277550 control chromosomes, predominantly at a frequency of 0.00059 within the South Asian subpopulation in the gnomAD database. The observed variant frequency within South Asian control individuals in the gnomAD database is approximately 9.44 fold of the estimated maximal expected allele frequency for a pathogenic variant in BRIP1 causing Hereditary Breast And Ovarian Cancer Syndrome phenotype (6.3e-05). c.1255C>T has been reported in the literature in individuals affected with Breast and Ovarian Cancer, Pancreatic Cancer, Melanoma, Prostate Cancer, and Colorectal Cancer and in unaffected controls (e.g. Ray_2009, Haiman_2013, Ramus_2015, Easton_2016, Yurgelun_2017, Shindo_2017, Potjer_2018, Lassalle_2018, Schubert_2019, Krivokuca_2019, Wang_2019, Dorling_2021, Brady_2022, Krivokuca_2022). However, these reports do not provide unequivocal conclusions about association of the variant with Hereditary Breast And Ovarian Cancer Syndrome. Co-occurrences with other pathogenic variants have been reported at our laboratory (CHEK2 c.1100delC [p.Thr367fs], ClinVar: 128042) and in the literature (BRCA1 c.5266dup, [p.Gln1756fs], ClinVar: 17677; Krivokuca_2022), providing supporting evidence for a benign role. To our knowledge, no experimental evidence demonstrating an impact on protein function has been reported. The following publications have been ascertained in the context of this evaluation (PMID: 32658311, 24728327, 35467778, 33471991, 26921362, 23555315, 34284872, 30651582, 30414346, 26315354, 19935797, 12872252, 30426508, 28767289, 31159747, 30982232, 29368626, 28135145). ClinVar contains an entry for this variant (Variation ID: 128153). Based on the evidence outlined above, the variant was classified as likely benign.

GeneDx
Classification: Uncertain significance. Last evaluated: 2025-02-04. Review status: criteria provided, single submitter. Criteria: GeneDx Variant Classification Process June 2021. Collection method: clinical testing. Allele origin: germline. Affected: yes.
Comment: In silico analysis supports that this missense variant has a deleterious effect on protein structure/function; Observed in individuals with ovarian, breast, prostate, melanoma, pancreatic, colorectal, and other cancers (PMID: 19935797, 26315354, 26921362, 28135145, 29368626, 30651582, 30414346, 32659497, 34326862, 35534704, 33850299); This variant is associated with the following publications: (PMID: 27150160, 29368626, 19935797, 12872252, 24728327, 26315354, 28135145, 26921362, 23555315, 28767289, 30414346, 31159747, 30651582, 32659497, 32283892, 33471991, 35467778, 34284872, 32658311, 29641532, 34326862, 35534704, 33850299)

Blueprint Genetics
Classification: Likely benign. Last evaluated: 2024-11-15. Review status: criteria provided, single submitter. Criteria: ACMG Guidelines, 2015. Collection method: clinical testing. Allele origin: germline.

CeGaT Center for Human Genetics Tuebingen
Classification: Likely benign. Last evaluated: 2024-11-01. Review status: criteria provided, single submitter. Criteria: CeGaT Center For Human Genetics Tuebingen Variant Classification Criteria Version 2. Collection method: clinical testing. Allele origin: germline. Affected: yes. Observed: 2 variant alleles.
Comment: BRIP1: BS2

German Consortium for Hereditary Breast and Ovarian Cancer, University Hospital Cologne
Classification: Likely benign for Hereditary breast ovarian cancer syndrome. Last evaluated: 2024-02-15. Review status: criteria provided, single submitter. Criteria: ACMG Guidelines, 2015. Collection method: curation. Allele origin: germline.
Comment: According to the ACMG SVI adaptation criteria we chose these criteria: BS1 (supporting benign): 84x het in gnomAD non Cancer, in V4 432X, BS2 (strong benign): 1x homzygous in gnomAD nonCancer, in v4 2X